The following is an entry in ClinVar:

ClinVar aggregate classification (germline): Uncertain significance (1 of 4 stars; one submission).

Allele frequency attached by ClinVar (database versions not stated): gnomAD exomes below 0.00001; TOPMed below 0.00001.
gnomAD v4.1: 1 of 1,613,442 alleles (0.000062%); highest among the groups gnomAD compares: African/African-American, 0.0013%; no homozygotes.

Submission:

GeneDx
Classification: Uncertain significance. Last evaluated: 2022-05-16. Review status: criteria provided, single submitter. Criteria: GeneDx Variant Classification Process June 2021. Collection method: clinical testing. Allele origin: germline. Affected: yes.
Comment: Not observed at significant frequency in large population cohorts (gnomAD); In silico analysis supports that this missense variant does not alter protein structure/function; Has not been previously published as pathogenic or benign to our knowledge

NM_178335.3(CCDC50):c.464G>A (p.Arg155Lys)

Gene: CCDC50 (coiled-coil domain containing 50; plus strand). Cytogenetic location: 3q28.
Variant type: single nucleotide variant.
Coding change: c.464G>A on transcript NM_178335.3 (MANE Select); coding-DNA position 464, G replaced by A.
Protein change: p.Arg155Lys; replaces arginine 155 with lysine.
Molecular consequence: missense variant. On other transcripts: intron variant (1).
Genome position (GRCh38, 1-based): chr3:191,375,077, G>A. VCF-style: chr3-191375077-G-A. GRCh37 (hg19) VCF-style: chr3-191092866-G-A.
Other names: c.448+5041G>A (NM_174908.4); short protein forms R155K.
Identifiers: ClinVar variation 1800619 (VCV001800619.1), dbSNP rs866014674, ClinGen allele CA89778638.